The following is an entry in ClinVar:

NM_017852.5(NLRP2):c.280+93C>A

Gene: NLRP2 (NLR family pyrin domain containing 2; plus strand). Cytogenetic location: 19q13.42.
Variant type: single nucleotide variant.
Coding change: c.280+93C>A on transcript NM_017852.5 (MANE Select); 93 bases into the intron after coding-DNA position 280, C replaced by A.
Molecular consequence: intron variant.
Genome position (GRCh38, 1-based): chr19:54,970,388, C>A. VCF-style: chr19-54970388-C-A. GRCh37 (hg19) VCF-style: chr19-55481756-C-A.
Other names: c.280+93C>A (NM_001174081.3, NM_001348003.2, NM_001174082.3); c.211+93C>A (NM_001174083.2).
Identifiers: ClinVar variation 103061 (VCV000103061.2), dbSNP rs199475707, ClinGen allele CA230052.
Genomic context (GRCh38, chr19:54,970,388, plus strand): 5'-GAGGAAGCAGGCGTCCTCTCCAGGACTTTAGAAATTCAGAAGGCCAGGCGCGCTGGCTCA[C>A]GCCTGTCGTCCCAGCCCTTTGGGAGGCTGAGGCGGTTGGACCACCTGAGGGTCAGGAGTT-3'

ClinVar aggregate classification (germline): not provided (0 of 4 stars; one submission).

Allele frequency attached by ClinVar (database versions not stated): TOPMed 0.00062.
gnomAD v4.1: 160 of 1,470,912 alleles (0.011%); highest among the groups gnomAD compares: African/African-American, 0.2%; no homozygotes.

Submission:

Human Evolutionary Genetics, Institut Pasteur
No classification provided. Review status: no classification provided. Collection method: not provided. Allele origin: germline.
ClinVar note: Converted during submission from untested to not provided.